The following is an entry in ClinVar:

ClinVar aggregate classification (germline): Likely pathogenic (1 of 4 stars; one submission).

Submission:

Labcorp Genetics (formerly Invitae), Labcorp
Classification: Likely pathogenic. Last evaluated: 2023-11-28. Review status: criteria provided, single submitter. Criteria: Invitae Variant Classification Sherloc (09022015). Collection method: clinical testing. Allele origin: unknown.
Comment: This variant results in a copy number gain of the genomic region encompassing exon(s) 5-22 of the DOCK8 gene. While the exact position of this variant cannot be determined from the data, sub-genic copy number gains are generally in tandem (PMID: 25640679). This variant is predicted to be out-of-frame, and may result in an absent or disrupted protein product. Loss-of-function variants in DOCK8 are known to be pathogenic (PMID: 14722525, 19776401). This variant has not been reported in the literature in individuals affected with DOCK8-related conditions. In summary, the currently available evidence indicates that the variant is pathogenic, but additional data are needed to prove that conclusively. Therefore, this variant has been classified as Likely Pathogenic.

Literature cited by the submitters: PubMed 25640679; PubMed 14722525; PubMed 19776401.

NC_000009.11:g.(?_304561)_(382705_?)dup

Gene: DOCK8 (dedicator of cytokinesis 8; plus strand). Cytogenetic location: 9p24.3.
Variant type: Duplication.
Identifiers: ClinVar variation 3245228 (VCV003245228.1).